The following is an entry in ClinVar:

ClinVar aggregate classification (germline): Uncertain significance (1 of 4 stars; one submission).

Allele frequency attached by ClinVar (database versions not stated): gnomAD exomes below 0.00001; TOPMed below 0.00001.
gnomAD v4.1: 2 of 1,614,200 alleles (0.00012%); highest among the groups gnomAD compares: Non-Finnish European, 0.00017%; no homozygotes.

Submission:

Labcorp Genetics (formerly Invitae), Labcorp
Classification: Uncertain significance. Last evaluated: 2023-12-02. Review status: criteria provided, single submitter. Criteria: Invitae Variant Classification Sherloc (09022015). Collection method: clinical testing. Allele origin: germline.
Comment: This sequence change replaces glutamine, which is neutral and polar, with lysine, which is basic and polar, at codon 271 of the MKL1 protein (p.Gln271Lys). This variant is not present in population databases (gnomAD no frequency). This variant has not been reported in the literature in individuals affected with MKL1-related conditions. An algorithm developed to predict the effect of missense changes on protein structure and function (PolyPhen-2) suggests that this variant is likely to be disruptive. In summary, the available evidence is currently insufficient to determine the role of this variant in disease. Therefore, it has been classified as a Variant of Uncertain Significance.

NM_020831.6(MRTFA):c.1111C>A (p.Gln371Lys)

Gene: MRTFA (myocardin related transcription factor A; minus strand). Cytogenetic location: 22q13.1.
Variant type: single nucleotide variant.
Coding change: c.1111C>A on transcript NM_020831.6 (MANE Select); coding-DNA position 1111, C replaced by A.
Protein change: p.Gln371Lys; replaces glutamine 371 with lysine.
Molecular consequence: missense variant.
Genome position (GRCh38, 1-based): chr22:40,420,917, G>T on the plus strand (C>A on the coding strand, the complement: MRTFA is on the minus strand). VCF-style: chr22-40420917-G-T. GRCh37 (hg19) VCF-style: chr22-40816921-G-T.
Other names: c.811C>A, p.Gln271Lys (NM_001282660.2); c.961C>A, p.Gln321Lys (NM_001282661.3); c.1111C>A, p.Gln371Lys (NM_001282662.3); c.916C>A, p.Gln306Lys (NM_001318139.2); short protein forms Q306K, Q321K, Q271K, Q371K.
Identifiers: ClinVar variation 2793563 (VCV002793563.3), dbSNP rs2052822955, ClinGen allele CA411664081.